The following is an entry in ClinVar:

NM_000548.5(TSC2):c.1362-9G>A

Gene: TSC2 (TSC complex subunit 2; plus strand). Cytogenetic location: 16p13.3.
Variant type: single nucleotide variant.
Coding change: c.1362-9G>A on transcript NM_000548.5 (MANE Select); 9 bases into the intron before coding-DNA position 1362, G replaced by A.
Molecular consequence: intron variant.
Genome position (GRCh38, 1-based): chr16:2,062,963, G>A. VCF-style: chr16-2062963-G-A. GRCh37 (hg19) VCF-style: chr16-2112964-G-A.
Other names: c.1362-9G>A (NM_001114382.3, NM_021055.3, NM_001370405.1 and 3 more transcripts); c.1251-9G>A (NM_001318827.2); c.762-9G>A (NM_001318831.2); c.1215-9G>A (NM_001318829.2); c.1395-9G>A (NM_001318832.2).
Identifiers: ClinVar variation 318310 (VCV000318310.19), dbSNP rs763842281, ClinGen allele CA029666.

ClinVar aggregate classification (germline): Conflicting classifications of pathogenicity. Review status: criteria provided, conflicting classifications (1 of 4 stars). 6 submissions from 6 submitters: Uncertain significance (2); Likely benign (4). Last evaluated 2025-11-19.

Conditions:
Tuberous sclerosis 2 (TSC2). Identifiers: Orphanet 805, MedGen C1860707, MONDO:0013199, OMIM 613254.
Tuberous sclerosis syndrome (TSC). Also called: Tuberous sclerosis; Tuberous Sclerosis Complex. Identifiers: Orphanet 805, MedGen C0041341, MONDO:0001734.
Hereditary cancer-predisposing syndrome. Also called: Hereditary neoplastic syndrome; Tumor predisposition; Hereditary Cancer Syndrome; Neoplastic Syndromes, Hereditary. Identifiers: Orphanet 140162, MedGen C0027672, MeSH D009386, MONDO:0015356.

Allele frequency attached by ClinVar (database versions not stated): ExAC below 0.00001; TOPMed below 0.00001; gnomAD 0.00001; gnomAD exomes 0.00002.
gnomAD v4.1: 27 of 1,549,534 alleles (0.0017%); highest among the groups gnomAD compares: Admixed American, 0.002%; no homozygotes.

Submissions (6):

Labcorp Genetics (formerly Invitae), Labcorp
Classification: Likely benign for Tuberous sclerosis 2. Last evaluated: 2025-11-19. Review status: criteria provided, single submitter. Criteria: Invitae Variant Classification Sherloc (09022015). Collection method: clinical testing. Allele origin: germline.

Myriad Genetics, Inc.
Classification: Likely benign for Tuberous sclerosis 2. Last evaluated: 2025-05-14. Review status: criteria provided, single submitter. Criteria: Myriad Autosomal Dominant, Autosomal Recessive and X-Linked Classification Criteria (2023). Collection method: clinical testing. Allele origin: unknown.
Comment: This variant is considered likely benign. This variant is intronic and is not expected to impact mRNA splicing.

Blueprint Genetics
Classification: Likely benign. Last evaluated: 2024-07-10. Review status: criteria provided, single submitter. Criteria: ACMG Guidelines, 2015. Collection method: clinical testing. Allele origin: germline.

Sema4
Classification: Uncertain significance for Hereditary cancer-predisposing syndrome. Last evaluated: 2022-03-16. Review status: criteria provided, single submitter. Criteria: Sema4 Curation Guidelines. Collection method: curation. Allele origin: germline.
Comment: The TSC2 c.1362-9G>A variant has not been reported in the literature to our knowledge. This variant was observed in 1/18328 chromosomes in the Finnish subpopulation according to the Genome Aggregation Database (PMID: 32461654) and has been reported in ClinVar (Variation ID: 318310). In silico tools suggest the variant does not affect normal splicing, though these predictions have not been confirmed by functional studies. The evidence is insufficient to meet ACMG/AMP criteria for classifying the variant as benign or pathogenic. Thus, the clinical significance of this variant is currently uncertain.

Genome-Nilou Lab
Classification: Likely benign for Tuberous sclerosis 2. Last evaluated: 2021-11-07. Review status: criteria provided, single submitter. Criteria: ACMG Guidelines, 2015. Collection method: clinical testing. Allele origin: germline. Affected: no.

Illumina Laboratory Services, Illumina
Classification: Uncertain significance for Tuberous sclerosis syndrome. Last evaluated: 2018-01-12. Review status: criteria provided, single submitter. Criteria: ICSL Variant Classification Criteria 13 December 2019. Collection method: clinical testing. Allele origin: germline.